The following is an entry in ClinVar:

NM_000051.4(ATM):c.8059_8060insT (p.Lys2687fs)

Genes: ATM (ATM serine/threonine kinase; plus strand), C11orf65 (chromosome 11 open reading frame 65; minus strand). Cytogenetic location: 11q22.3.
Variant type: Insertion.
Coding change: c.8059_8060insT on transcript NM_000051.4 (MANE Select); coding-DNA positions 8059 to 8060, T inserted.
Protein change: p.Lys2687fs; shifts the reading frame from lysine 2687.
Molecular consequence: frameshift variant. On other transcripts: intron variant (2).
Genome position: GRCh38 VCF-style: chr11-108335017-A-AT. GRCh37 (hg19) VCF-style: chr11-108205744-A-AT.
Other names: c.8059_8060insT, p.Lys2687fs (NM_001351834.2); c.641-25947_641-25946insA (NM_001330368.2); c.*38+202_*38+203insA (NM_001351110.2); short protein forms K2687fs.
Identifiers: ClinVar variation 3640100 (VCV003640100.2).

ClinVar aggregate classification (germline): Pathogenic (1 of 4 stars; one submission).

Conditions:
Ataxia-telangiectasia syndrome (AT). Also called: Ataxia-telangiectasia, complementation group D; AT, COMPLEMENTATION GROUP C; ATAXIA-TELANGIECTASIA, COMPLEMENTATION GROUP A; ATAXIA-TELANGIECTASIA, FRESNO VARIANT; Ataxia-telangiectasia; Ataxia-telangiectasia, complementation group E. Identifiers: Orphanet 100, MedGen C0004135, MONDO:0008840, OMIM 208900.

Submission:

Labcorp Genetics (formerly Invitae), Labcorp
Classification: Pathogenic for Ataxia-telangiectasia syndrome. Last evaluated: 2024-02-11. Review status: criteria provided, single submitter. Criteria: Invitae Variant Classification Sherloc (09022015). Collection method: clinical testing. Allele origin: germline.
Comment: This sequence change creates a premature translational stop signal (p.Lys2687Ilefs*31) in the ATM gene. It is expected to result in an absent or disrupted protein product. Loss-of-function variants in ATM are known to be pathogenic (PMID: 23807571, 25614872). This variant is not present in population databases (gnomAD no frequency). This variant has not been reported in the literature in individuals affected with ATM-related conditions. For these reasons, this variant has been classified as Pathogenic.

Literature cited by the submitters: PubMed 23807571; PubMed 25614872.